The following is an entry in ClinVar:

ClinVar aggregate classification (germline): Uncertain significance. Review status: criteria provided, multiple submitters, no conflicts (2 of 4 stars). 3 submissions from 3 submitters: Uncertain significance (3). Last evaluated 2025-01-08.

Conditions:
Inborn genetic diseases. Identifiers: MedGen C0950123, MeSH D030342.
SAMD9-related disorder. Also called: SAMD9-related condition.

Submissions (3):

Ambry Genetics
Classification: Uncertain significance for Inborn genetic diseases. Last evaluated: 2025-01-08. Review status: criteria provided, single submitter. Criteria: Ambry Variant Classification Scheme 2023. Collection method: clinical testing. Allele origin: germline.
Comment: The p.L556P variant (also known as c.1667T>C), located in coding exon 1 of the SAMD9 gene, results from a T to C substitution at nucleotide position 1667. The leucine at codon 556 is replaced by proline, an amino acid with similar properties. This amino acid position is conserved. In addition, the in silico prediction for this alteration is inconclusive. Based on the available evidence, the clinical significance of this variant remains unclear.

GeneDx
Classification: Uncertain significance. Last evaluated: 2024-03-27. Review status: criteria provided, single submitter. Criteria: GeneDx Variant Classification Process June 2021. Collection method: clinical testing. Allele origin: germline. Affected: yes.
Comment: Not observed at significant frequency in large population cohorts (gnomAD); In silico analysis supports that this missense variant has a deleterious effect on protein structure/function; Has not been previously published as pathogenic or benign to our knowledge; This variant is associated with the following publications: (PMID: 28545555)

PreventionGenetics, part of Exact Sciences
Classification: Uncertain significance for SAMD9-related condition. Last evaluated: 2022-08-23. Review status: criteria provided, single submitter. Criteria: ACMG Guidelines, 2015. Collection method: clinical testing. Allele origin: germline.
Comment: The SAMD9 c.1667T>C variant is predicted to result in the amino acid substitution p.Leu556Pro. To our knowledge, this variant has not been reported in the literature or in a large population database, indicating this variant is rare. At this time, the clinical significance of this variant is uncertain due to the absence of conclusive functional and genetic evidence.

NM_017654.4(SAMD9):c.1667T>C (p.Leu556Pro)

Gene: SAMD9 (sterile alpha motif domain containing 9; minus strand). Cytogenetic location: 7q21.2.
Variant type: single nucleotide variant.
Coding change: c.1667T>C on transcript NM_017654.4 (MANE Select); coding-DNA position 1667, T replaced by C.
Protein change: p.Leu556Pro; replaces leucine 556 with proline.
Molecular consequence: missense variant.
Genome position (GRCh38, 1-based): chr7:93,104,431, A>G on the plus strand (T>C on the coding strand, the complement: SAMD9 is on the minus strand). VCF-style: chr7-93104431-A-G. GRCh37 (hg19) VCF-style: chr7-92733744-A-G.
Other names: c.1667T>C, p.Leu556Pro (NM_001193307.2); short protein forms L556P.
Identifiers: ClinVar variation 2636242 (VCV002636242.3), dbSNP rs2535360108, ClinGen allele CA368195422.